The following is an entry in ClinVar:

ClinVar aggregate classification (germline): Pathogenic (1 of 4 stars; one submission).

Conditions:
Hereditary cancer-predisposing syndrome. Also called: Neoplastic Syndromes, Hereditary; Tumor predisposition; Hereditary neoplastic syndrome; Hereditary Cancer Syndrome. Identifiers: Orphanet 140162, MedGen C0027672, MeSH D009386, MONDO:0015356.

Submission:

Ambry Genetics
Classification: Pathogenic for Hereditary cancer-predisposing syndrome. Last evaluated: 2024-05-28. Review status: criteria provided, single submitter. Criteria: Ambry Variant Classification Scheme 2023. Collection method: clinical testing. Allele origin: germline.
Comment: The c.2762delA pathogenic mutation, located in coding exon 17 of the RAD50 gene, results from a deletion of one nucleotide at nucleotide position 2762, causing a translational frameshift with a predicted alternate stop codon (p.K921Sfs*9). This variant is considered to be rare based on population cohorts in the Genome Aggregation Database (gnomAD). This alteration is expected to result in loss of function by premature protein truncation or nonsense-mediated mRNA decay. As such, this alteration is interpreted as a disease-causing mutation.

NM_005732.4(RAD50):c.2762del (p.Lys921fs)

Gene: RAD50 (RAD50 double strand break repair protein; plus strand). Cytogenetic location: 5q31.1.
Variant type: Deletion.
Coding change: c.2762del on transcript NM_005732.4 (MANE Select); coding-DNA position 2762, one base deleted (A; older notation c.2762delA).
Protein change: p.Lys921fs; shifts the reading frame from lysine 921.
Molecular consequence: frameshift variant.
Genome position (GRCh38, 1-based): chr5:132,608,658, A deleted; the last of 4 consecutive A bases (chr5:132,608,655-132,608,658); deleting any one gives the same sequence. VCF-style (leftmost placement, unchanged base first): chr5-132608654-GA-G. GRCh37 (hg19) VCF-style: chr5-131944346-GA-G.
Other names: short protein forms K921fs.
Identifiers: ClinVar variation 3312288 (VCV003312288.1).